The following is an entry in ClinVar:

ClinVar aggregate classification (germline): Uncertain significance (1 of 4 stars; one submission).

gnomAD v4.1: 2 of 1,185,747 alleles (0.00017%); highest among the groups gnomAD compares: Non-Finnish European, 0.00023%; no homozygotes.

Submission:

Dasa
Classification: Uncertain significance. Last evaluated: 2025-05-12. Review status: criteria provided, single submitter. Criteria: DASA Assertion Criteria. Collection method: clinical testing. Allele origin: germline.
Comment: NM_004606.5(TAF1):c.3786+9A>G is a splice-region variant. This variant is rare in population databases. Computational prediction algorithms are consistent with a benign effect. The currently available literature and clinical evidence are not sufficient to establish a definitive association between this variant and the reported condition. Therefore, this variant is classified as a variant of uncertain significance.

NM_004606.5(TAF1):c.3786+9A>G

Gene: TAF1 (TATA-box binding protein associated factor 1; plus strand). Cytogenetic location: Xq13.1.
Variant type: single nucleotide variant.
Coding change: c.3786+9A>G on transcript NM_004606.5 (MANE Select); 9 bases into the intron after coding-DNA position 3786, A replaced by G.
Molecular consequence: intron variant.
Genome position (GRCh38, 1-based): chrX:71,398,746, A>G. VCF-style: chrX-71398746-A-G. GRCh37 (hg19) VCF-style: chrX-70618596-A-G.
Other names: c.3786+9A>G (NM_001440852.1, NM_001440853.1, NM_001286074.2); c.3723+9A>G (NM_001440854.1, NM_138923.4).
Identifiers: ClinVar variation 4882399 (VCV004882399.2).